The following is an entry in ClinVar:

ClinVar aggregate classification (germline): Pathogenic/Likely pathogenic. Review status: criteria provided, multiple submitters, no conflicts (2 of 4 stars). 2 submissions from 2 submitters: Pathogenic (1); Likely pathogenic (1). Last evaluated 2022-12-22.

Conditions:
Neuronal ceroid lipofuscinosis. Also called: Neuronal Ceroid Lipofuscinoses. Identifiers: Orphanet 216, Orphanet 79263, MedGen C0027877, MONDO:0016295. Disease mechanism: loss of function.

Submissions (2):

Women's Health and Genetics/Laboratory Corporation of America, LabCorp
Classification: Likely pathogenic for Neuronal ceroid lipofuscinosis. Last evaluated: 2022-12-22. Review status: criteria provided, single submitter. Criteria: LabCorp Variant Classification Summary - May 2015. Collection method: clinical testing. Allele origin: germline.
Comment: Variant summary: CTSF c.993_1004delinsTGCCTACT (p.Lys331AsnfsX14) results in a premature termination codon, predicted to cause a truncation of the encoded protein or absence of the protein due to nonsense mediated decay, which are commonly known mechanisms for disease. Truncations downstream of this position have been classified as pathogenic in ClinVar and are associated with Kufs disease, type B in HGMD. The variant was absent in 251352 control chromosomes. c.993_1004delinsTGCCTACT has been reported in the literature in individuals affected with Neuronal Ceroid-Lipofuscinosis (Batten Disease) (Kulkarni_2021). These data indicate that the variant may be associated with disease. To our knowledge, no experimental evidence demonstrating an impact on protein function has been reported. One ClinVar submitter has submitted clinical-significance assessments for this variant to ClinVar after 2014 without evidence for independent evaluation and classified the variant as pathogenic. Based on the evidence outlined above, the variant was classified as likely pathogenic.

Mayo Clinic Laboratories, Mayo Clinic
Classification: Pathogenic. Last evaluated: 2021-05-18. Review status: criteria provided, single submitter. Criteria: ACMG Guidelines, 2015. Collection method: clinical testing. Allele origin: germline.
Comment: PVS1, PM2, PP4

Literature cited by the submitters: PubMed 33578366 (cited by Women's Health and Genetics/Laboratory Corporation of America, LabCorp).

NM_003793.4(CTSF):c.993_1004delinsTGCCTACT (p.Lys331fs)

Gene: CTSF (cathepsin F; minus strand). Cytogenetic location: 11q13.2.
Variant type: Indel.
Coding change: c.993_1004delinsTGCCTACT on transcript NM_003793.4 (MANE Select); coding-DNA positions 993 to 1004, GGCCTGCATGGG replaced by TGCCTACT.
Protein change: p.Lys331fs; shifts the reading frame from lysine 331.
Molecular consequence: frameshift variant.
Genome position (GRCh38, 1-based): chr11:66,565,712-66,565,723, CCCATGCAGGCC replaced by AGTAGGCA on the plus strand (GGCCTGCATGGG replaced by TGCCTACT on the coding strand, the reverse complement: CTSF is on the minus strand). VCF-style: chr11-66565712-CCCATGCAGGCC-AGTAGGCA. GRCh37 (hg19) VCF-style: chr11-66333183-CCCATGCAGGCC-AGTAGGCA.
Other names: p.(Lys331Asnfs*14); c.993_1004delinsTGCCTACT (NM_003793.3); short protein forms K331fs.
Identifiers: ClinVar variation 1691433 (VCV001691433.6), dbSNP rs2134951897, ClinGen allele CA2573147582.
Genomic context (GRCh38, chr11:66,565,712, plus strand): 5'-TGACCCCATTAATGCATACCCAAATTCTTTATGGCCGAGTAGGCATTGGAGGGCAAGCCG[CCCATGCAGGCC>AGTAGGCA]TTGTCCATCTTGTCACAGTCCAAGAGCTCTAGGAGACAGAAGGCTGGTCCCAAGAAGCCC-3'